The following is an entry in ClinVar:

NM_000038.6(APC):c.7765G>T (p.Glu2589Ter)

Gene: APC (APC regulator of Wnt signaling pathway; plus strand). Cytogenetic location: 5q22.2.
Variant type: single nucleotide variant.
Coding change: c.7765G>T on transcript NM_000038.6 (MANE Select); coding-DNA position 7765, G replaced by T.
Protein change: p.Glu2589Ter; replaces glutamic acid 2589 with a stop codon.
Molecular consequence: nonsense. On other transcripts: non-coding transcript variant (2).
Genome position (GRCh38, 1-based): chr5:112,843,359, G>T. VCF-style: chr5-112843359-G-T. GRCh37 (hg19) VCF-style: chr5-112179056-G-T.
Other names: c.7765G>T, p.Glu2589Ter (NM_001127510.3, NM_001354895.2, NM_001407450.1); c.7711G>T, p.Glu2571Ter (NM_001127511.3); c.7819G>T, p.Glu2607Ter (NM_001354896.2, NM_001407447.1, NM_001407448.1 and 1 more transcripts); c.7795G>T, p.Glu2599Ter (NM_001354897.2); c.7690G>T, p.Glu2564Ter (NM_001354898.2); c.7681G>T, p.Glu2561Ter (NM_001354899.2); c.7642G>T, p.Glu2548Ter (NM_001354900.2); c.7588G>T, p.Glu2530Ter (NM_001354901.2, NM_001407453.1); and 11 more; short protein forms E2205*, E2306*, E2429*, E2460*, E2463*, E2488*, E2498*, E2506*.
Identifiers: ClinVar variation 2583360 (VCV002583360.2), dbSNP rs2533817849, ClinGen allele CA16038199.

ClinVar aggregate classification (germline): Pathogenic (1 of 4 stars; one submission).

Conditions:
Familial adenomatous polyposis 1 (FAP1). Also called: POLYPOSIS, ADENOMATOUS INTESTINAL; FAMILIAL ADENOMATOUS POLYPOSIS 1, ATTENUATED. Identifiers: MedGen C2713442, MONDO:0021056, OMIM 175100. Disease mechanism: loss of function.

Submission:

Myriad Genetics, Inc.
Classification: Pathogenic for Familial adenomatous polyposis 1. Last evaluated: 2023-05-16. Review status: criteria provided, single submitter. Criteria: Myriad Autosomal Dominant, Autosomal Recessive and X-Linked Classification Criteria (2023). Collection method: clinical testing. Allele origin: unknown.
Comment: This variant is considered pathogenic. This variant creates a termination codon and is predicted to result in premature protein truncation.